The following is an entry in ClinVar:

ClinVar aggregate classification (germline): Likely benign. Review status: criteria provided, multiple submitters, no conflicts (2 of 4 stars). 2 submissions from 2 submitters: Likely benign (2). Last evaluated 2025-10-18.

Conditions:
Cohen syndrome (COH1). Also called: Cutis verticis gyrata, retinitis pigmentosa, and sensorineural deafness; PEPPER SYNDROME. Identifiers: Orphanet 193, MedGen C0265223, MONDO:0008999, OMIM 216550.
VPS13B-related disorder. Also called: VPS13B-related condition.

Allele frequency attached by ClinVar (database versions not stated): gnomAD exomes below 0.00001 and 0.00001; ExAC 0.00001.
gnomAD v4.1: 3 of 1,613,988 alleles (0.00019%); highest among the groups gnomAD compares: Middle Eastern, 0.016%; no homozygotes.

Submissions (2):

Labcorp Genetics (formerly Invitae), Labcorp
Classification: Likely benign for Cohen syndrome. Last evaluated: 2025-10-18. Review status: criteria provided, single submitter. Criteria: Invitae Variant Classification Sherloc (09022015). Collection method: clinical testing. Allele origin: germline.

PreventionGenetics, part of Exact Sciences
Classification: Likely benign for VPS13B-related condition. Last evaluated: 2025-02-28. Review status: criteria provided, single submitter. Criteria: ACMG Guidelines, 2015. Collection method: clinical testing. Allele origin: germline.
Comment: This variant is classified as likely benign based on ACMG/AMP sequence variant interpretation guidelines (Richards et al. 2015 PMID: 25741868, with internal and published modifications).

NM_152564.5(VPS13B):c.7485A>G (p.Leu2495=)

Gene: VPS13B (vacuolar protein sorting 13 homolog B; plus strand). Cytogenetic location: 8q22.2.
Variant type: single nucleotide variant.
Coding change: c.7485A>G on transcript NM_152564.5 (MANE Select); coding-DNA position 7485, A replaced by G.
Protein change: p.Leu2495=; no amino-acid change (leucine 2495 retained).
Molecular consequence: synonymous variant.
Genome position (GRCh38, 1-based): chr8:99,778,737, A>G. VCF-style: chr8-99778737-A-G. GRCh37 (hg19) VCF-style: chr8-100790965-A-G.
Other names: c.7560A>G, p.Leu2520= (NM_017890.5); c.7485A>G (NM_152564.4).
Identifiers: ClinVar variation 1092832 (VCV001092832.10), dbSNP rs746175640, ClinGen allele CA4824240.
Genomic context (GRCh38, chr8:99,778,737, plus strand): 5'-AACAGCTGCACCACAGTACCTACAGCCATTTGTTTCCGACAGAAATATGCCATCTGAACT[A>G]GAATACATGATTGTTTCCTTCAGAGAACCACACATGTATCTTCGACAGTGGAATAATGGT-3'
Protein context (NP_689777.3, residues 2485-2505): FVSDRNMPSE[Leu2495=]EYMIVSFREP